The following is an entry in ClinVar:

NM_002227.4(JAK1):c.2809A>T (p.Ile937Phe)

Gene: JAK1 (Janus kinase 1; minus strand). Cytogenetic location: 1p31.3.
Variant type: single nucleotide variant.
Coding change: c.2809A>T on transcript NM_002227.4 (MANE Select); coding-DNA position 2809, A replaced by T.
Protein change: p.Ile937Phe; replaces isoleucine 937 with phenylalanine.
Molecular consequence: missense variant.
Genome position (GRCh38, 1-based): chr1:64,839,636, T>A on the plus strand (A>T on the coding strand, the complement: JAK1 is on the minus strand). VCF-style: chr1-64839636-T-A. GRCh37 (hg19) VCF-style: chr1-65305319-T-A.
Other names: c.2809A>T, p.Ile937Phe (NM_001320923.2, NM_001321852.2, NM_001321853.2 and 3 more transcripts); c.2806A>T, p.Ile936Phe (NM_001321857.2); short protein forms I937F, I936F.
Identifiers: ClinVar variation 2695986 (VCV002695986.3), dbSNP rs2100959636, ClinGen allele CA340664418.
Genomic context (GRCh38, chr1:64,839,636, plus strand): 5'-ACCGGACCCCAGCCTTGCATAACATACCGTCTTCTGTGCAGATTCCTTTGTACTTCACAA[T>A]GTTCTCATGATAGAGGTTCCTTAAGATCTCGATTTCCTTTTTCAGATCAGCTATGTGGTT-3'
Protein context (NP_002218.2, residues 927-947): EILRNLYHEN[Ile937Phe]VKYKGICTED

ClinVar aggregate classification (germline): Uncertain significance (1 of 4 stars; one submission).

Submission:

Labcorp Genetics (formerly Invitae), Labcorp
Classification: Uncertain significance. Last evaluated: 2023-11-14. Review status: criteria provided, single submitter. Criteria: Invitae Variant Classification Sherloc (09022015). Collection method: clinical testing. Allele origin: germline.
Comment: This sequence change replaces isoleucine, which is neutral and non-polar, with phenylalanine, which is neutral and non-polar, at codon 937 of the JAK1 protein (p.Ile937Phe). This variant is not present in population databases (gnomAD no frequency). This variant has not been reported in the literature in individuals affected with JAK1-related conditions. Advanced modeling of protein sequence and biophysical properties (such as structural, functional, and spatial information, amino acid conservation, physicochemical variation, residue mobility, and thermodynamic stability) performed at Invitae indicates that this missense variant is expected to disrupt JAK1 protein function with a positive predictive value of 80%. In summary, the available evidence is currently insufficient to determine the role of this variant in disease. Therefore, it has been classified as a Variant of Uncertain Significance.